The following is an entry in ClinVar:

ClinVar aggregate classification (germline): Pathogenic. Review status: criteria provided, single submitter (1 of 4 stars). 2 submissions from 2 submitters: Pathogenic (1). 1 of the submissions does not count toward it. Last evaluated 2024-01-17.

Conditions:
Pyruvate dehydrogenase E1-alpha deficiency (PDHAD). Also called: ATAXIA, INTERMITTENT, WITH ABNORMAL PYRUVATE METABOLISM; ATAXIA, INTERMITTENT, WITH PYRUVATE DEHYDROGENASE DEFICIENCY; ATAXIA WITH LACTIC ACIDOSIS I; Ataxia, intermittent, with pyruvate dehydrogenase, or decarboxylase, deficiency. Identifiers: Orphanet 79243, MedGen C1839413, MONDO:0010717, OMIM 312170.

Submissions (2):

Labcorp Genetics (formerly Invitae), Labcorp
Classification: Pathogenic for Pyruvate dehydrogenase E1-alpha deficiency. Last evaluated: 2024-01-17. Review status: criteria provided, single submitter. Criteria: Invitae Variant Classification Sherloc (09022015). Collection method: clinical testing. Allele origin: germline.
Comment: This sequence change creates a premature translational stop signal (p.Trp383*) in the PDHA1 gene. While this is not anticipated to result in nonsense mediated decay, it is expected to disrupt the last 8 amino acid(s) of the PDHA1 protein. This variant is not present in population databases (gnomAD no frequency). This premature translational stop signal has been observed in individual(s) with pyruvate dehydrogenase complex deficiency. (PMID: 20002125). Algorithms developed to predict the effect of sequence changes on RNA splicing suggest that this variant may create or strengthen a splice site. This variant disrupts a region of the PDHA1 protein in which other variant(s) (p.Ser388*) have been determined to be pathogenic (PMID: 7981697, 21846590, 21914562, 29756269). This suggests that this is a clinically significant region of the protein, and that variants that disrupt it are likely to be disease-causing. For these reasons, this variant has been classified as Pathogenic.

PDHA1 Study Group, University Children’s Hospital, Paracelsus Medical University
Classification: Pathogenic for Pyruvate dehydrogenase E1-alpha deficiency. Last evaluated: 2024-10-15. Review status: no assertion criteria provided. Collection method: research. Allele origin: de novo. Affected: yes. Observed: 1 variant allele. Not counted in ClinVar's aggregate classification.
Comment: The NM_000284.3:c.1148G>A (p.Trp383Ter) change is a nonsense variant in PDHA1 gene. This variant is predicted to escape nonsense-mediated decay (NMD). Among them, 1 case had confirmed de novo occurrence. The variant has been reported in 1 published case (PMIDs: 21914562). Last literature search: July 12, 2024. This variant is absent or extremely rare in population-based cohorts in the Genome Aggregation Database (gnomAD). Individuals harboring this variant presented with clinical features compatible with PDHA1-related PDHc deficiency. In summary, this variant meets criteria to be classified as likely pathogenic (LP) for PDHA1-related PDHc deficiency based on the ACMG/AMP criteria applied: PM1, PM2, PM4, PM7 (last assessment October 15, 2024).

Literature cited by the submitters: PubMed 20002125 (cited by Labcorp Genetics (formerly Invitae), Labcorp); PubMed 7981697 (cited by Labcorp Genetics (formerly Invitae), Labcorp); PubMed 21846590 (cited by Labcorp Genetics (formerly Invitae), Labcorp); PubMed 21914562 (cited by Labcorp Genetics (formerly Invitae), Labcorp and PDHA1 Study Group, University Children’s Hospital, Paracelsus Medical University); PubMed 29756269 (cited by Labcorp Genetics (formerly Invitae), Labcorp); DOI 10.1093/brain/awaf430 (cited by PDHA1 Study Group, University Children’s Hospital, Paracelsus Medical University).

NM_000284.4(PDHA1):c.1148G>A (p.Trp383Ter)

Gene: PDHA1 (pyruvate dehydrogenase E1 subunit alpha 1; plus strand). Cytogenetic location: Xp22.12.
Variant type: single nucleotide variant.
Coding change: c.1148G>A on transcript NM_000284.4 (MANE Select); coding-DNA position 1148, G replaced by A.
Protein change: p.Trp383Ter; replaces tryptophan 383 with a stop codon.
Molecular consequence: nonsense.
Genome position (GRCh38, 1-based): chrX:19,359,628, G>A. VCF-style: chrX-19359628-G-A. GRCh37 (hg19) VCF-style: chrX-19377746-G-A.
Other names: c.1262G>A, p.Trp421Ter (NM_001173454.2); c.1169G>A, p.Trp390Ter (NM_001173455.2); c.1055G>A, p.Trp352Ter (NM_001173456.2); c.1148G>A (NM_000284.3); short protein forms W383*, W352*, W390*, W421*.
Identifiers: ClinVar variation 2737103 (VCV002737103.4), dbSNP rs2518508012, ClinGen allele CA412397247.